The following is an entry in ClinVar:

ClinVar aggregate classification (germline): Uncertain significance. Review status: criteria provided, multiple submitters, no conflicts (2 of 4 stars). 3 submissions from 3 submitters: Uncertain significance (3). Last evaluated 2025-11-18.

Conditions:
Autosomal recessive ataxia, Beauce type. Also called: Spinocerebellar ataxia, autosomal recessive 8; ATAXIA, RECESSIVE, OF BEAUCE; SYNE1-Related Autosomal Recessive Cerebellar Ataxia; SYNE1 Deficiency. Identifiers: Orphanet 88644, MedGen C1853116, MONDO:0012549, OMIM 610743.
Emery-Dreifuss muscular dystrophy 4, autosomal dominant (EDMD4). Also called: EMERY-DREIFUSS MUSCULAR DYSTROPHY 4 WITH VARIABLE FEATURES. Identifiers: Orphanet 261, MedGen C2751807, MONDO:0013071, OMIM 612998.

Allele frequency attached by ClinVar (database versions not stated): gnomAD exomes 0.00001 and 0.00002; ExAC 0.00002; ESP Exome Variant Server 0.00008.
gnomAD v4.1: 28 of 1,614,140 alleles (0.0017%); highest among the groups gnomAD compares: Non-Finnish European, 0.0024%; no homozygotes.

Submissions (3):

Labcorp Genetics (formerly Invitae), Labcorp
Classification: Uncertain significance for Emery-Dreifuss muscular dystrophy 4, autosomal dominant; Autosomal recessive ataxia, Beauce type. Last evaluated: 2025-11-18. Review status: criteria provided, single submitter. Criteria: Invitae Variant Classification Sherloc (09022015). Collection method: clinical testing. Allele origin: germline.
Comment: This sequence change replaces isoleucine, which is neutral and non-polar, with valine, which is neutral and non-polar, at codon 6552 of the SYNE1 protein (p.Ile6552Val). This variant is present in population databases (rs368088542, gnomAD 0.002%). This variant has not been reported in the literature in individuals affected with SYNE1-related conditions. ClinVar contains an entry for this variant (Variation ID: 284242). An algorithm developed to predict the effect of missense changes on protein structure and function outputs the following: PolyPhen-2: "Benign". The valine amino acid residue is found in multiple mammalian species, which suggests that this missense change does not adversely affect protein function. In summary, the available evidence is currently insufficient to determine the role of this variant in disease. Therefore, it has been classified as a Variant of Uncertain Significance.

Revvity Omics, Revvity
Classification: Uncertain significance. Last evaluated: 2019-07-25. Review status: criteria provided, single submitter. Criteria: ACMG Guidelines, 2015. Collection method: clinical testing. Allele origin: germline.

Eurofins Ntd Llc (ga)
Classification: Uncertain significance. Last evaluated: 2015-11-04. Review status: criteria provided, single submitter. Criteria: EGL Classification Definitions 2015. Collection method: clinical testing. Allele origin: germline. Observed: 1 variant allele, 1 heterozygote.

NM_182961.4(SYNE1):c.19867A>G (p.Ile6623Val)

Gene: SYNE1 (spectrin repeat containing nuclear envelope protein 1; minus strand). Cytogenetic location: 6q25.2.
Variant type: single nucleotide variant.
Coding change: c.19867A>G on transcript NM_182961.4 (MANE Select); coding-DNA position 19867, A replaced by G.
Protein change: p.Ile6623Val; replaces isoleucine 6623 with valine.
Molecular consequence: missense variant.
Genome position (GRCh38, 1-based): chr6:152,242,266, T>C on the plus strand (A>G on the coding strand, the complement: SYNE1 is on the minus strand). VCF-style: chr6-152242266-T-C. GRCh37 (hg19) VCF-style: chr6-152563401-T-C.
Other names: c.19654A>G (NM_033071.3); c.19654A>G, p.Ile6552Val (NM_033071.5); short protein forms I6552V, I6623V.
Identifiers: ClinVar variation 284242 (VCV000284242.11), dbSNP rs368088542, ClinGen allele CA4054564.
Genomic context (GRCh38, chr6:152,242,266, plus strand): 5'-CATTTTCTCTCTATCACTCTTTTTTGTTATGTACCTTATGTTTGTCAAGTAGTTGCTGGA[T>C]TTCCTCTTTGGAAGACACGATGATTTTCTGGTCTCCTGCCATCTTCTCCTGACCAGTTTC-3'
Protein context (NP_892006.3, residues 6613-6633): QKIIVSSKEE[Ile6623Val]QQLLDKHKEY